The following is an entry in ClinVar:

NM_015570.4(AUTS2):c.1613C>T (p.Thr538Met)

Gene: AUTS2 (activator of transcription and developmental regulator AUTS2; plus strand). Cytogenetic location: 7q11.22.
Variant type: single nucleotide variant.
Coding change: c.1613C>T on transcript NM_015570.4 (MANE Select); coding-DNA position 1613, C replaced by T.
Protein change: p.Thr538Met; replaces threonine 538 with methionine.
Molecular consequence: missense variant.
Genome position (GRCh38, 1-based): chr7:70,766,258, C>T. VCF-style: chr7-70766258-C-T. GRCh37 (hg19) VCF-style: chr7-70231244-C-T.
Other names: c.1613C>T, p.Thr538Met (NM_001127231.3); short protein forms T538M.
Identifiers: ClinVar variation 3360980 (VCV003360980.1).

ClinVar aggregate classification (germline): Uncertain significance (1 of 4 stars; one submission).

gnomAD v4.1: 5 of 1,613,938 alleles (0.00031%); highest among the groups gnomAD compares: Admixed American, 0.0017%; no homozygotes.

Submission:

GeneDx
Classification: Uncertain significance. Last evaluated: 2023-07-11. Review status: criteria provided, single submitter. Criteria: GeneDx Variant Classification Process June 2021. Collection method: clinical testing. Allele origin: germline. Affected: yes.
Comment: Not observed at significant frequency in large population cohorts (gnomAD); In silico analysis supports that this missense variant has a deleterious effect on protein structure/function; Has not been previously published as pathogenic or benign to our knowledge